The following is an entry in ClinVar:

NM_001035.3(RYR2):c.3890C>T (p.Thr1297Ile)

Genes: RYR2 (ryanodine receptor 2; plus strand), LOC126806067 (BRD4-independent group 4 enhancer GRCh37_chr1:237753258-237754457; plus strand). Cytogenetic location: 1q43.
Variant type: single nucleotide variant.
Coding change: c.3890C>T on transcript NM_001035.3 (MANE Select); coding-DNA position 3890, C replaced by T.
Protein change: p.Thr1297Ile; replaces threonine 1297 with isoleucine.
Molecular consequence: missense variant.
Genome position (GRCh38, 1-based): chr1:237,590,722, C>T. VCF-style: chr1-237590722-C-T. GRCh37 (hg19) VCF-style: chr1-237754022-C-T.
Other names: short protein forms T1297I.
Identifiers: ClinVar variation 924405 (VCV000924405.20), dbSNP rs746350036, ClinGen allele CA345397301.

ClinVar aggregate classification (germline): Conflicting classifications of pathogenicity. Review status: criteria provided, conflicting classifications (1 of 4 stars). 5 submissions from 5 submitters: Uncertain significance (4); Likely benign (1). Last evaluated 2025-10-01.

Conditions:
Catecholaminergic polymorphic ventricular tachycardia (CVPT). Also called: Catecholamine-induced polymorphic ventricular tachycardia. Identifiers: Orphanet 3286, MedGen C5574922, MONDO:0017990.
Cardiomyopathy (CMYO). Also called: Cardiomyopathies. Identifiers: Orphanet 167848, MedGen C0878544, MONDO:0004994, HP:0001638. Inheritance: Various modes of inheritance.
Catecholaminergic polymorphic ventricular tachycardia 1. Also called: RYR2-Related Catecholaminergic Polymorphic Ventricular Tachycardia; VENTRICULAR TACHYCARDIA, STRESS-INDUCED POLYMORPHIC 1; VENTRICULAR TACHYCARDIA, CATECHOLAMINERGIC POLYMORPHIC, 1, WITH OR WITHOUT ATRIAL DYSFUNCTION AND/OR DILATED CARDIOMYOPATHY. Identifiers: Orphanet 3286, MedGen C1631597, MONDO:0011484, OMIM 604772.
Hypertrophic cardiomyopathy. Also called: HYPERTROPHIC MYOCARDIOPATHY. Identifiers: Orphanet 217569, MedGen C0007194, MeSH D002312, MONDO:0005045, HP:0001639.

Allele frequency attached by ClinVar (database versions not stated): gnomAD 0.00001 and 0.00002; TOPMed 0.00001.
gnomAD v4.1: 11 of 1,611,192 alleles (0.00068%); highest among the groups gnomAD compares: South Asian, 0.0044%; no homozygotes.

Submissions (5):

CeGaT Center for Human Genetics Tuebingen
Classification: Uncertain significance. Last evaluated: 2025-10-01. Review status: criteria provided, single submitter. Criteria: CeGaT Center For Human Genetics Tuebingen Variant Classification Criteria Version 2. Collection method: clinical testing. Allele origin: germline. Affected: yes. Observed: 1 variant allele.

Labcorp Genetics (formerly Invitae), Labcorp
Classification: Likely benign for Catecholaminergic polymorphic ventricular tachycardia 1. Last evaluated: 2025-07-09. Review status: criteria provided, single submitter. Criteria: Invitae Variant Classification Sherloc (09022015). Collection method: clinical testing. Allele origin: germline.

Color Diagnostics, LLC DBA Color Health
Classification: Uncertain significance for Cardiomyopathy. Last evaluated: 2024-03-06. Review status: criteria provided, single submitter. Criteria: ACMG Guidelines, 2015. Collection method: clinical testing. Allele origin: germline.
Comment: This missense variant replaces threonine with isoleucine at codon 1297 of the RYR2 protein. Computational prediction suggests that this variant may not impact protein structure and function (internally defined REVEL score threshold <= 0.5, PMID: 27666373). To our knowledge, functional studies have not been performed for this variant. This variant has not been reported in individuals affected with cardiovascular disorders in the literature. This variant has been identified in 3/247116 chromosomes in the general population by the Genome Aggregation Database (gnomAD). The available evidence is insufficient to determine the role of this variant in disease conclusively. Therefore, this variant is classified as a Variant of Uncertain Significance.

All of Us Research Program, National Institutes of Health
Classification: Uncertain significance for Catecholaminergic polymorphic ventricular tachycardia. Last evaluated: 2023-11-30. Review status: criteria provided, single submitter. Criteria: ACMG Guidelines, 2015. Collection method: clinical testing. Allele origin: germline. Inheritance: Autosomal dominant inheritance. Observed: 2 variant alleles, 2 heterozygotes.
Comment: This missense variant replaces threonine with isoleucine at codon 1297 of the RYR2 protein. Computational prediction suggests that this variant may not impact protein structure and function (internally defined REVEL score threshold <= 0.5, PMID: 27666373). To our knowledge, functional studies have not been performed for this variant. This variant has not been reported in individuals affected with cardiovascular disorders in the literature. This variant has been identified in 3/247116 chromosomes in the general population by the Genome Aggregation Database (gnomAD). The available evidence is insufficient to determine the role of this variant in disease conclusively. Therefore, this variant is classified as a Variant of Uncertain Significance.

This study involves interpretation of variants in research participants for the purpose of population health screening. Participant phenotype was not available at the time of variant classification. Additional details can be found in publication PMID: 35346344, PMCID: PMC8962531

Genetics and Genomics Program, Sidra Medicine
Classification: Uncertain significance for Hypertrophic cardiomyopathy. Review status: criteria provided, single submitter. Criteria: ACMG Guidelines, 2015. Collection method: research. Allele origin: unknown. Affected: yes. Observed: 1 variant allele.